The following is an entry in ClinVar:

NM_002878.4(RAD51D):c.12C>G (p.Leu4=)

Genes: RAD51L3-RFFL (RAD51L3-RFFL readthrough; minus strand), RAD51D (RAD51 paralog D; minus strand). Cytogenetic location: 17q12.
Variant type: single nucleotide variant.
Coding change: c.12C>G on transcript NM_002878.4 (MANE Select); coding-DNA position 12, C replaced by G.
Protein change: p.Leu4=; no amino-acid change (leucine 4 retained).
Molecular consequence: synonymous variant. On other transcripts: non-coding transcript variant (2).
Genome position (GRCh38, 1-based): chr17:35,119,602, G>C on the plus strand (C>G on the coding strand, the complement: RAD51D is on the minus strand). VCF-style: chr17-35119602-G-C. GRCh37 (hg19) VCF-style: chr17-33446621-G-C.
Other names: c.12C>G, p.Leu4= (NM_001142571.2, NM_133629.3).
Identifiers: ClinVar variation 186752 (VCV000186752.24), dbSNP rs786203193, ClinGen allele CA195765.

ClinVar aggregate classification (germline): Benign/Likely benign. Review status: criteria provided, multiple submitters, no conflicts (2 of 4 stars). 8 submissions from 8 submitters: Benign (1); Likely benign (7). Last evaluated 2026-01-19.

Conditions:
Breast-ovarian cancer, familial, susceptibility to, 4. Identifiers: Orphanet 145, MedGen C3280345, MONDO:0013669, OMIM 614291.
Hereditary cancer-predisposing syndrome. Also called: Neoplastic Syndromes, Hereditary; Tumor predisposition; Hereditary Cancer Syndrome; Hereditary neoplastic syndrome. Identifiers: Orphanet 140162, MedGen C0027672, MeSH D009386, MONDO:0015356.

Allele frequency attached by ClinVar (database versions not stated): gnomAD exomes below 0.00001; TOPMed below 0.00001; gnomAD 0.00001.
gnomAD v4.1: 20 of 1,611,700 alleles (0.0012%); highest among the groups gnomAD compares: Non-Finnish European, 0.0016%; no homozygotes.

Submissions (8):

Labcorp Genetics (formerly Invitae), Labcorp
Classification: Likely benign for Breast-ovarian cancer, familial, susceptibility to, 4. Last evaluated: 2026-01-19. Review status: criteria provided, single submitter. Criteria: Invitae Variant Classification Sherloc (09022015). Collection method: clinical testing. Allele origin: germline.

Myriad Genetics, Inc.
Classification: Benign for Breast-ovarian cancer, familial, susceptibility to, 4. Last evaluated: 2025-02-19. Review status: criteria provided, single submitter. Criteria: Myriad Autosomal Dominant, Autosomal Recessive and X-Linked Classification Criteria (2023). Collection method: clinical testing. Allele origin: unknown.
Comment: This variant is considered benign. This variant is a silent/synonymous amino acid change and it is not expected to impact splicing.

GeneDx
Classification: Likely benign. Last evaluated: 2021-05-18. Review status: criteria provided, single submitter. Criteria: GeneDx Variant Classification Process June 2021. Collection method: clinical testing. Allele origin: germline. Affected: yes.
Comment: This variant is associated with the following publications: (PMID: 21111057)

Women's Health and Genetics/Laboratory Corporation of America, LabCorp
Classification: Likely benign. Last evaluated: 2019-08-29. Review status: criteria provided, single submitter. Criteria: LabCorp Variant Classification Summary - May 2015. Collection method: clinical testing. Allele origin: germline.

PreventionGenetics, part of Exact Sciences
Classification: Likely benign. Last evaluated: 2017-12-11. Review status: criteria provided, single submitter. Criteria: ACMG Guidelines, 2015. Collection method: clinical testing. Allele origin: germline.

Quest Diagnostics Nichols Institute San Juan Capistrano
Classification: Likely benign. Last evaluated: 2017-01-17. Review status: criteria provided, single submitter. Criteria: Quest Diagnostics criteria. Collection method: clinical testing. Allele origin: germline.

Color Diagnostics, LLC DBA Color Health
Classification: Likely benign for Hereditary cancer-predisposing syndrome. Last evaluated: 2016-04-28. Review status: criteria provided, single submitter. Criteria: ACMG Guidelines, 2015. Collection method: clinical testing. Allele origin: germline.

Ambry Genetics
Classification: Likely benign for Hereditary cancer-predisposing syndrome. Last evaluated: 2014-10-16. Review status: criteria provided, single submitter. Criteria: Ambry Variant Classification Scheme 2023. Collection method: clinical testing. Allele origin: germline.